The following is an entry in ClinVar:

NM_000038.6(APC):c.1958+22A>G

Gene: APC (APC regulator of Wnt signaling pathway; plus strand). Cytogenetic location: 5q22.2.
Variant type: single nucleotide variant.
Coding change: c.1958+22A>G on transcript NM_000038.6 (MANE Select); 22 bases into the intron after coding-DNA position 1958, A replaced by G.
Molecular consequence: intron variant.
Genome position (GRCh38, 1-based): chr5:112,835,187, A>G. VCF-style: chr5-112835187-A-G. GRCh37 (hg19) VCF-style: chr5-112170884-A-G.
Other names: c.1109+22A>G (NM_001407470.1, NM_001354906.2); c.806+22A>G (NM_001407472.1, NM_001407471.1); c.2012+22A>G (NM_001407447.1, NM_001407448.1, NM_001407449.1 and 1 more transcripts); c.1958+22A>G (NM_001354895.2, NM_001407450.1, NM_001127510.3); c.1709+22A>G (NM_001407456.1, NM_001407457.1, NM_001407455.1 and 1 more transcripts); c.1655+22A>G (NM_001407460.1, NM_001407458.1, NM_001407459.1 and 1 more transcripts); c.1928+22A>G (NM_001407452.1); c.1571+22A>G (NM_001407469.1, NM_001407467.1); and 11 more.
Identifiers: ClinVar variation 3148028 (VCV003148028.1), dbSNP rs1246211345, ClinGen allele CA562217599.

ClinVar aggregate classification (germline): Benign (1 of 4 stars; one submission).

Conditions:
Familial adenomatous polyposis 1 (FAP1). Also called: POLYPOSIS, ADENOMATOUS INTESTINAL; FAMILIAL ADENOMATOUS POLYPOSIS 1, ATTENUATED. Identifiers: MedGen C2713442, MONDO:0021056, OMIM 175100. Disease mechanism: loss of function.

Allele frequency attached by ClinVar (database versions not stated): gnomAD 0.00001.

Submission:

Myriad Genetics, Inc.
Classification: Benign for Familial adenomatous polyposis 1. Last evaluated: 2024-03-08. Review status: criteria provided, single submitter. Criteria: Myriad Autosomal Dominant, Autosomal Recessive and X-Linked Classification Criteria (2023). Collection method: clinical testing. Allele origin: unknown.
Comment: This variant is considered benign. This variant is intronic and is not expected to impact mRNA splicing.